The following is an entry in ClinVar:

NM_078480.3(PUF60):c.116C>T (p.Thr39Ile)

Gene: PUF60 (poly(U) binding splicing factor 60; minus strand). Cytogenetic location: 8q24.3.
Variant type: single nucleotide variant.
Coding change: c.116C>T on transcript NM_078480.3 (MANE Select); coding-DNA position 116, C replaced by T.
Protein change: p.Thr39Ile; replaces threonine 39 with isoleucine.
Molecular consequence: missense variant. On other transcripts: 5 prime UTR variant (2).
Genome position (GRCh38, 1-based): chr8:143,821,909, G>A on the plus strand (C>T on the coding strand, the complement: PUF60 is on the minus strand). VCF-style: chr8-143821909-G-A. GRCh37 (hg19) VCF-style: chr8-144904079-G-A.
Other names: c.-14C>T (NM_001136033.3, NM_001271100.2); c.113C>T, p.Thr38Ile (NM_001271096.2, NM_001271098.2); c.29C>T, p.Thr10Ile (NM_001271097.2, NM_001271099.2); c.227C>T, p.Thr76Ile (NM_001362895.2, NM_001362896.2, NM_001362897.2); c.116C>T, p.Thr39Ile (NM_014281.5); short protein forms T10I, T38I, T39I, T76I.
Identifiers: ClinVar variation 3255185 (VCV003255185.1), dbSNP rs1450117810.

ClinVar aggregate classification (germline): Likely benign (1 of 4 stars; one submission).

Conditions:
8q24.3 microdeletion syndrome. Also called: CHROMOSOME 8q24.3 DELETION SYNDROME; Verheij syndrome. Identifiers: Orphanet 508488, MedGen C3810023, MONDO:0014263, OMIM 615583.

Allele frequency attached by ClinVar (database versions not stated): gnomAD exomes 0.00001.
gnomAD v4.1: 4 of 1,599,160 alleles (0.00025%); highest among the groups gnomAD compares: South Asian, 0.0034%; no homozygotes.

Submission:

Victorian Clinical Genetics Services, Murdoch Childrens Research Institute
Classification: Likely benign for 8q24.3 microdeletion syndrome. Last evaluated: 2023-07-17. Review status: criteria provided, single submitter. Criteria: ACMG Guidelines, 2015. Collection method: clinical testing. Allele origin: germline. Inheritance: Autosomal dominant inheritance. Affected: yes.
Comment: Based on the classification scheme VCGS_Germline_v1.3.4, this variant is classified as Likely benign. Following criteria are met: 0102 - Loss of function is a known mechanism of disease in this gene and is associated with Verheij syndrome (MIM#615583). (I) 0107 - This gene is associated with autosomal dominant disease. (I) 0115 - Variants in this gene are known to have variable expressivity (PMID: 28327570). (I) 0200 - Variant is predicted to result in a missense amino acid change from threonine to isoleucine. (I) 0251 - This variant is heterozygous. (I) 0301 - Variant is absent from gnomAD (both v2 and v3). (SP) 0503 - Missense variant consistently predicted to be tolerated by multiple in silico tools or not conserved in placental mammals with a minor amino acid change. (SB) 0603 - Missense variant in a region that is highly intolerant to missense variation (high constraint region in DECIPHER). (SP) 0705 - No comparable missense variants have previous evidence for pathogenicity. (I) 0807 - This variant has no previous evidence of pathogenicity. (I) 0904 - Non-segregation of this variant with the phenotype under investigation has been clearly demonstrated. (SB) 1007 - No published functional evidence has been identified for this variant. (I) Legend: (SP) - Supporting pathogenic, (I) - Information, (SB) - Supporting benign

Literature cited by the submitters: PubMed 28327570.